The following is an entry in ClinVar:

ClinVar aggregate classification (germline): Conflicting classifications of pathogenicity. Review status: criteria provided, conflicting classifications (1 of 4 stars). 8 submissions from 8 submitters: Uncertain significance (5); Likely benign (3). Last evaluated 2026-02-14.

Conditions:
Inborn genetic diseases. Identifiers: MedGen C0950123, MeSH D030342.
INF2-related disorder. Also called: INF2-related condition.
Charcot-Marie-Tooth disease dominant intermediate E. Also called: CHARCOT-MARIE-TOOTH NEUROPATHY WITH FOCAL SEGMENTAL GLOMERULONEPHRITIS. Identifiers: Orphanet 93114, MedGen C4302667, MONDO:0013758, OMIM 614455.
Focal segmental glomerulosclerosis 5 (FSGS5). Identifiers: Orphanet 656, MedGen C2750475, MONDO:0013191, OMIM 613237.

Allele frequency attached by ClinVar (database versions not stated): gnomAD 0.00004 and 0.00003; TOPMed 0.00005; ESP Exome Variant Server 0.00008.
gnomAD v4.1: 31 of 1,612,610 alleles (0.0019%); highest among the groups gnomAD compares: Middle Eastern, 0.049%; no homozygotes.

Submissions (8):

PreventionGenetics, part of Exact Sciences
Classification: Uncertain significance for INF2-related condition. Last evaluated: 2026-02-14. Review status: criteria provided, single submitter. Criteria: ACMG Guidelines, 2015. Collection method: clinical testing. Allele origin: germline.
Comment: The INF2 c.2084G>A variant is predicted to result in the amino acid substitution p.Arg695Gln. To our knowledge, this variant has not been reported in the literature. This variant is reported in 0.0058% of alleles in individuals of Latino descent in gnomAD. At this time, the clinical significance of this variant is uncertain due to the absence of conclusive functional and genetic evidence.

CeGaT Center for Human Genetics Tuebingen
Classification: Likely benign. Last evaluated: 2025-10-01. Review status: criteria provided, single submitter. Criteria: CeGaT Center For Human Genetics Tuebingen Variant Classification Criteria Version 2. Collection method: clinical testing. Allele origin: germline. Affected: yes. Observed: 1 variant allele.
Comment: INF2: BP4

Labcorp Genetics (formerly Invitae), Labcorp
Classification: Likely benign for Charcot-Marie-Tooth disease dominant intermediate E; Focal segmental glomerulosclerosis 5. Last evaluated: 2025-06-12. Review status: criteria provided, single submitter. Criteria: Invitae Variant Classification Sherloc (09022015). Collection method: clinical testing. Allele origin: germline.

Blueprint Genetics
Classification: Uncertain significance. Last evaluated: 2024-10-24. Review status: criteria provided, single submitter. Criteria: ACMG Guidelines, 2015. Collection method: clinical testing. Allele origin: germline.

Fulgent Genetics
Classification: Uncertain significance for Focal segmental glomerulosclerosis 5; Charcot-Marie-Tooth disease dominant intermediate E. Last evaluated: 2023-12-22. Review status: criteria provided, single submitter. Criteria: ACMG Guidelines, 2015. Collection method: clinical testing. Allele origin: germline.

Ambry Genetics
Classification: Uncertain significance for Inborn genetic diseases. Last evaluated: 2022-03-28. Review status: criteria provided, single submitter. Criteria: Ambry Variant Classification Scheme 2023. Collection method: clinical testing. Allele origin: germline.
Comment: The p.R695Q variant (also known as c.2084G>A), located in coding exon 11 of the INF2 gene, results from a G to A substitution at nucleotide position 2084. The arginine at codon 695 is replaced by glutamine, an amino acid with highly similar properties. This amino acid position is not well conserved in available vertebrate species, and glutamine is the reference amino acid in other vertebrate species. In addition, this alteration is predicted to be tolerated by in silico analysis. Since supporting evidence is limited at this time, the clinical significance of this alteration remains unclear.

GeneDx
Classification: Likely benign. Last evaluated: 2020-10-26. Review status: criteria provided, single submitter. Criteria: GeneDx Variant Classification Process June 2021. Collection method: clinical testing. Allele origin: germline. Affected: yes.
Comment: See Variant Classification Assertion Criteria.

Breakthrough Genomics
Classification: Uncertain significance. Review status: criteria provided, single submitter. Criteria: ACMG Guidelines, 2015. Collection method: not provided. Allele origin: germline. Inheritance: Autosomal dominant inheritance. Affected: yes.

NM_022489.4(INF2):c.2084G>A (p.Arg695Gln)

Gene: INF2 (inverted formin 2; plus strand). Cytogenetic location: 14q32.33.
Variant type: single nucleotide variant.
Coding change: c.2084G>A on transcript NM_022489.4 (MANE Select); coding-DNA position 2084, G replaced by A.
Protein change: p.Arg695Gln; replaces arginine 695 with glutamine.
Molecular consequence: missense variant.
Genome position (GRCh38, 1-based): chr14:104,709,651, G>A. VCF-style: chr14-104709651-G-A. GRCh37 (hg19) VCF-style: chr14-105175988-G-A.
Other names: c.2084G>A, p.Arg695Gln (NM_001031714.4); short protein forms R695Q.
Identifiers: ClinVar variation 649728 (VCV000649728.24), dbSNP rs372333024, ClinGen allele CA7372820.